The following is an entry in ClinVar:

NM_022095.4(ZNF335):c.293G>A (p.Gly98Glu)

Gene: ZNF335 (zinc finger protein 335; minus strand). Cytogenetic location: 20q13.12.
Variant type: single nucleotide variant.
Coding change: c.293G>A on transcript NM_022095.4 (MANE Select); coding-DNA position 293, G replaced by A.
Protein change: p.Gly98Glu; replaces glycine 98 with glutamic acid.
Molecular consequence: missense variant.
Genome position (GRCh38, 1-based): chr20:45,969,600, C>T on the plus strand (G>A on the coding strand, the complement: ZNF335 is on the minus strand). VCF-style: chr20-45969600-C-T. GRCh37 (hg19) VCF-style: chr20-44598239-C-T.
Other names: short protein forms G98E.
Identifiers: ClinVar variation 212648 (VCV000212648.11), dbSNP rs34015709, ClinGen allele CA209934.

ClinVar aggregate classification (germline): Uncertain significance. Review status: criteria provided, multiple submitters, no conflicts (2 of 4 stars). 4 submissions from 4 submitters: Uncertain significance (4). Last evaluated 2026-04-01.

Conditions:
Inborn genetic diseases. Identifiers: MedGen C0950123, MeSH D030342.

Allele frequency attached by ClinVar (database versions not stated): ESP Exome Variant Server 0.00015; ExAC 0.00019; gnomAD exomes 0.00019; TOPMed 0.00027; gnomAD 0.00028 and 0.00029.
gnomAD v4.1: 471 of 1,608,412 alleles (0.029%); highest among the groups gnomAD compares: Middle Eastern, 0.083%; no homozygotes.

Submissions (5):

CeGaT Center for Human Genetics Tuebingen
Classification: Uncertain significance. Last evaluated: 2026-04-01. Review status: criteria provided, single submitter. Criteria: CeGaT Center For Human Genetics Tuebingen Variant Classification Criteria Version 2. Collection method: clinical testing. Allele origin: germline. Affected: yes. Observed: 1 variant allele.
Comment: ZNF335: PM2, BP4

Labcorp Genetics (formerly Invitae), Labcorp
Classification: Uncertain significance. Last evaluated: 2024-01-25. Review status: criteria provided, single submitter. Criteria: Invitae Variant Classification Sherloc (09022015). Collection method: clinical testing. Allele origin: germline.
Comment: This sequence change replaces glycine, which is neutral and non-polar, with glutamic acid, which is acidic and polar, at codon 98 of the ZNF335 protein (p.Gly98Glu). This variant is present in population databases (rs34015709, gnomAD 0.04%). This variant has not been reported in the literature in individuals affected with ZNF335-related conditions. ClinVar contains an entry for this variant (Variation ID: 212648). Algorithms developed to predict the effect of missense changes on protein structure and function output the following: SIFT: "Not Available"; PolyPhen-2: "Benign"; Align-GVGD: "Not Available". The glutamic acid amino acid residue is found in multiple mammalian species, which suggests that this missense change does not adversely affect protein function. In summary, the available evidence is currently insufficient to determine the role of this variant in disease. Therefore, it has been classified as a Variant of Uncertain Significance.

Ambry Genetics
Classification: Uncertain significance for Inborn genetic diseases. Last evaluated: 2022-06-10. Review status: criteria provided, single submitter. Criteria: Ambry Variant Classification Scheme 2023. Collection method: clinical testing. Allele origin: germline.

Genetic Services Laboratory, University of Chicago
Classification: Uncertain significance. Last evaluated: 2015-01-09. Review status: criteria provided, single submitter. Criteria: ACMG Guidelines, 2015. Collection method: clinical testing. Allele origin: germline.

Dr. Peter K. Rogan Lab, Western University
No classification provided (evidence only). Condition: Ovarian serous cystadenocarcinoma. Review status: no classification provided. Collection method: in vitro. Allele origin: not applicable. Functional consequence: retained intron. Not counted in ClinVar's aggregate classification.